The following is an entry in ClinVar:

ClinVar aggregate classification (germline): Conflicting classifications of pathogenicity. Review status: criteria provided, conflicting classifications (1 of 4 stars). 2 submissions from 2 submitters: Uncertain significance (1); Benign (1). Last evaluated 2023-07-27.

Conditions:
Cardiovascular phenotype. Identifiers: MedGen CN230736.

Allele frequency attached by ClinVar (database versions not stated): gnomAD 0.00001; gnomAD exomes 0.00001; TOPMed 0.00001.
gnomAD v4.1: 6 of 1,613,792 alleles (0.00037%); highest among the groups gnomAD compares: Non-Finnish European, 0.00042%; no homozygotes.

Submissions (2):

Ambry Genetics
Classification: Uncertain significance for Cardiovascular phenotype. Last evaluated: 2023-07-27. Review status: criteria provided, single submitter. Criteria: Ambry General Variant Classification Scheme_2022. Collection method: clinical testing. Allele origin: germline.
Comment: The p.I1944V variant (also known as c.5830A>G), located in coding exon 24 of the AKAP9 gene, results from an A to G substitution at nucleotide position 5830. The isoleucine at codon 1944 is replaced by valine, an amino acid with highly similar properties. This amino acid position is not well conserved in available vertebrate species. In addition, this alteration is predicted to be tolerated by in silico analysis. Since supporting evidence is limited at this time, the clinical significance of this alteration remains unclear.

GeneDx
Classification: Benign. Last evaluated: 2011-07-14. Review status: criteria provided, single submitter. Criteria: GeneDx Variant Classification (06012015). Collection method: clinical testing. Allele origin: germline. Affected: yes.
Comment: This variant is considered likely benign or benign based on one or more of the following criteria: it is a conservative change, it occurs at a poorly conserved position in the protein, it is predicted to be benign by multiple in silico algorithms, and/or has population frequency not consistent with disease.

NM_005751.5(AKAP9):c.5830A>G (p.Ile1944Val)

Gene: AKAP9 (A-kinase anchoring protein 9; plus strand). Cytogenetic location: 7q21.2.
Variant type: single nucleotide variant.
Coding change: c.5830A>G on transcript NM_005751.5 (MANE Select); coding-DNA position 5830, A replaced by G.
Protein change: p.Ile1944Val; replaces isoleucine 1944 with valine.
Molecular consequence: missense variant.
Genome position (GRCh38, 1-based): chr7:92,062,339, A>G. VCF-style: chr7-92062339-A-G. GRCh37 (hg19) VCF-style: chr7-91691653-A-G.
Other names: p.I1944V:ATA>GTA; c.475A>G, p.Ile159Val (NM_001379277.1); c.5830A>G, p.Ile1944Val (NM_147185.3); short protein forms I1944V, I159V.
Identifiers: ClinVar variation 136334 (VCV000136334.2), dbSNP rs587780849, ClinGen allele CA289352.